The following is an entry in ClinVar:

ClinVar aggregate classification (germline): Conflicting classifications of pathogenicity. Review status: criteria provided, conflicting classifications (1 of 4 stars). 2 submissions from 2 submitters: Uncertain significance (1); Likely benign (1). Last evaluated 2023-10-13.

Conditions:
Familial sleep-related hypermotor epilepsy. Also called: Autosomal Dominant Sleep-Related Hypermotor (Hyperkinetic) Epilepsy. Identifiers: Orphanet 98784, MedGen C3696898, MONDO:0000030.

Allele frequency attached by ClinVar (database versions not stated): gnomAD exomes 0.00002; gnomAD 0.00001; TOPMed below 0.00001.
gnomAD v4.1: 23 of 1,597,146 alleles (0.0014%); highest among the groups gnomAD compares: Non-Finnish European, 0.002%; no homozygotes.

Submissions (2):

Labcorp Genetics (formerly Invitae), Labcorp
Classification: Likely benign. Last evaluated: 2023-10-13. Review status: criteria provided, single submitter. Criteria: Invitae Variant Classification Sherloc (09022015). Collection method: clinical testing. Allele origin: germline.

GeneDx
Classification: Uncertain significance. Last evaluated: 2016-08-22. Review status: criteria provided, single submitter. Criteria: GeneDx Variant Classification (06012015). Collection method: clinical testing. Allele origin: germline. Affected: yes.
Comment: A variant of uncertain significance has been identified in the CHRNA4 gene. The P524S variant has not been published as a pathogenic variant, nor has it been reported as a benign variant to our knowledge. It was not observed in approximately 6,500 individuals of European and African American ancestry in the NHLBI Exome Sequencing Project, indicating it is not a common benign variant in these populations. The P526S variant is a non-conservative amino acid substitution, which is likely to impact secondary protein structure as these residues differ in polarity, charge, size and/or other properties. However, this substitution occurs at a position that is not conserved, and in silico analysis predicts this variant likely does not alter the protein structure/function. Additionally, this amino acid substitution is not predicted to occur within the transmembrane region of the protein, where the vast majority of pathogenic missense variants have been identified in association with epilepsy (Steinlein et al., 2010). Therefore, based on the currently available information, it is unclear whether this variant is a pathogenic variant or a rare benign variant.

NM_000744.7(CHRNA4):c.1576C>T (p.Pro526Ser)

Gene: CHRNA4 (cholinergic receptor nicotinic alpha 4 subunit; minus strand). Cytogenetic location: 20q13.33.
Variant type: single nucleotide variant.
Coding change: c.1576C>T on transcript NM_000744.7 (MANE Select); coding-DNA position 1576, C replaced by T.
Protein change: p.Pro526Ser; replaces proline 526 with serine.
Molecular consequence: missense variant. On other transcripts: non-coding transcript variant (1).
Genome position (GRCh38, 1-based): chr20:63,349,835, G>A on the plus strand (C>T on the coding strand, the complement: CHRNA4 is on the minus strand). VCF-style: chr20-63349835-G-A. GRCh37 (hg19) VCF-style: chr20-61981187-G-A.
Other names: c.1048C>T, p.Pro350Ser (NM_001256573.2); short protein forms P526S, P350S.
Identifiers: ClinVar variation 422066 (VCV000422066.12), dbSNP rs1064795533, ClinGen allele CA16620949.